The following is an entry in ClinVar:

ClinVar aggregate classification (germline): Conflicting classifications of pathogenicity. Review status: criteria provided, conflicting classifications (1 of 4 stars). 2 submissions from 2 submitters: Uncertain significance (1); Likely benign (1). Last evaluated 2024-11-26.

Conditions:
Cardioacrofacial dysplasia 1. Identifiers: MedGen C5436885, MONDO:0030876, OMIM 619142.

gnomAD v4.1: 25 of 999,178 alleles (0.0025%); highest among the groups gnomAD compares: Admixed American, 0.011%; no homozygotes.

Submissions (2):

Blueprint Genetics
Classification: Likely benign. Last evaluated: 2024-11-26. Review status: criteria provided, single submitter. Criteria: ACMG Guidelines, 2015. Collection method: clinical testing. Allele origin: germline.

Clinical Genomics Laboratory, Washington University in St. Louis
Classification: Uncertain significance for Cardioacrofacial dysplasia 1. Last evaluated: 2024-05-10. Review status: criteria provided, single submitter. Criteria: ACMG Guidelines, 2015. Collection method: clinical testing. Allele origin: germline.
Comment: A PRKACA c.172C>T (p.Leu58Phe) variant was identified at a near heterozygous allelic fraction of 48.7%, a frequency which may be consistent with it being of germline origin. This variant, to our knowledge, has not been reported in the medical literature and it is observed on 25/999,178 alleles in the general population (gnomAD v4.1.0). Due to limited information, and based on ACMG/AMP guidelines for variant interpretation (Richards S et al., PMID: 25741868), the clinical significance of this variant is uncertain at this time.

NM_002730.4(PRKACA):c.47-404C>T

Gene: PRKACA (protein kinase cAMP-activated catalytic subunit alpha; minus strand). Cytogenetic location: 19p13.12.
Variant type: single nucleotide variant.
Coding change: c.47-404C>T on transcript NM_002730.4 (MANE Select); 404 bases into the intron before coding-DNA position 47, C replaced by T.
Molecular consequence: intron variant. On other transcripts: missense variant (1).
Genome position (GRCh38, 1-based): chr19:14,107,813, G>A on the plus strand (C>T on the coding strand, the complement: PRKACA is on the minus strand). VCF-style: chr19-14107813-G-A. GRCh37 (hg19) VCF-style: chr19-14218625-G-A.
Other names: c.172C>T, p.Leu58Phe (NM_001304349.2); c.23-404C>T (NM_207518.3); short protein forms L58F.
Identifiers: ClinVar variation 3600469 (VCV003600469.2).